The following is an entry in ClinVar:

ClinVar aggregate classification (germline): Conflicting classifications of pathogenicity. Review status: criteria provided, conflicting classifications (1 of 4 stars). 4 submissions from 4 submitters: Uncertain significance (1); Likely benign (3). Last evaluated 2026-01-16.

Conditions:
Xeroderma pigmentosum variant type. Also called: PHOTOSENSITIVITY WITH DEFECTIVE DNA SYNTHESIS; XERODERMA PIGMENTOSUM WITH NORMAL DNA REPAIR RATES; POLH-Related Xeroderma Pigmentosum. Identifiers: Orphanet 90342, MedGen C1848410, MONDO:0010214, OMIM 278750.

Allele frequency attached by ClinVar (database versions not stated): TOPMed 0.00007; gnomAD exomes 0.00008 and 0.00013; ExAC 0.00009; gnomAD 0.00009 and 0.00010; ESP Exome Variant Server 0.00023.
gnomAD v4.1: 214 of 1,613,860 alleles (0.013%); highest among the groups gnomAD compares: Non-Finnish European, 0.017%; no homozygotes.

Submissions (4):

Labcorp Genetics (formerly Invitae), Labcorp
Classification: Likely benign. Last evaluated: 2026-01-16. Review status: criteria provided, single submitter. Criteria: Invitae Variant Classification Sherloc (09022015). Collection method: clinical testing. Allele origin: germline.

Blueprint Genetics
Classification: Likely benign. Last evaluated: 2024-11-19. Review status: criteria provided, single submitter. Criteria: ACMG Guidelines, 2015. Collection method: clinical testing. Allele origin: germline.

CeGaT Center for Human Genetics Tuebingen
Classification: Likely benign. Last evaluated: 2024-06-01. Review status: criteria provided, single submitter. Criteria: CeGaT Center For Human Genetics Tuebingen Variant Classification Criteria Version 2. Collection method: clinical testing. Allele origin: germline. Affected: yes. Observed: 1 variant allele.
Comment: POLH: BP4, BP7

Illumina Laboratory Services, Illumina
Classification: Uncertain significance for Xeroderma pigmentosum variant type. Last evaluated: 2018-01-13. Review status: criteria provided, single submitter. Criteria: ICSL Variant Classification Criteria 13 December 2019. Collection method: clinical testing. Allele origin: germline.

NM_006502.3(POLH):c.525C>T (p.Leu175=)

Gene: POLH (DNA polymerase eta; plus strand). Cytogenetic location: 6p21.1.
Variant type: single nucleotide variant.
Coding change: c.525C>T on transcript NM_006502.3 (MANE Select); coding-DNA position 525, C replaced by T.
Protein change: p.Leu175=; no amino-acid change (leucine 175 retained).
Molecular consequence: synonymous variant.
Genome position (GRCh38, 1-based): chr6:43,597,730, C>T. VCF-style: chr6-43597730-C-T. GRCh37 (hg19) VCF-style: chr6-43565467-C-T.
Other names: c.153C>T, p.Leu51= (NM_001291969.2); c.525C>T, p.Leu175= (NM_001291970.2).
Identifiers: ClinVar variation 908775 (VCV000908775.26), dbSNP rs150901869, ClinGen allele CA3827003.